The following is an entry in ClinVar:

NM_001270520.2(DAAM1):c.1527G>A (p.Ala509=)

Gene: DAAM1 (dishevelled associated activator of morphogenesis 1; plus strand). Cytogenetic location: 14q23.1.
Variant type: single nucleotide variant.
Coding change: c.1527G>A on transcript NM_001270520.2 (MANE Select); coding-DNA position 1527, G replaced by A.
Protein change: p.Ala509=; no amino-acid change (alanine 509 retained).
Molecular consequence: synonymous variant.
Genome position (GRCh38, 1-based): chr14:59,330,655, G>A. VCF-style: chr14-59330655-G-A. GRCh37 (hg19) VCF-style: chr14-59797373-G-A.
Other names: c.1527G>A, p.Ala509= (NM_014992.2).
Identifiers: ClinVar variation 3055640 (VCV003055640.2), dbSNP rs28927674, ClinGen allele CA7207522.

ClinVar aggregate classification (germline): Benign (0 of 4 stars; one submission).

Conditions:
DAAM1-related disorder. Also called: DAAM1-related condition.

Allele frequency attached by ClinVar (database versions not stated): 1000 Genomes Project 30x 0.02936; 1000 Genomes Project 0.03055; TOPMed 0.06037; gnomAD 0.06542; ESP Exome Variant Server 0.06797; ExAC 0.07026; gnomAD exomes 0.08479.
gnomAD v4.1: 133,313 of 1,613,368 alleles (8.3%); highest among the groups gnomAD compares: Non-Finnish European, 9.5%; 6,089 homozygotes.

Submission:

PreventionGenetics, part of Exact Sciences
Classification: Benign for DAAM1-related condition. Last evaluated: 2019-10-30. Review status: no assertion criteria provided. Collection method: clinical testing. Allele origin: germline.
Comment: This variant is classified as benign based on ACMG/AMP sequence variant interpretation guidelines (Richards et al. 2015 PMID: 25741868, with internal and published modifications).